The following is an entry in ClinVar:

ClinVar aggregate classification (germline): Uncertain significance (1 of 4 stars; one submission).

Submission:

Ambry Genetics
Classification: Uncertain significance. Last evaluated: 2026-03-04. Review status: criteria provided, single submitter. Criteria: Ambry Variant Classification Scheme 2023. Collection method: clinical testing. Allele origin: germline.
Comment: The p.S544C variant (also known as c.1630A>T), located in coding exon 16 of the KIF1B gene, results from an A to T substitution at nucleotide position 1630. The serine at codon 544 is replaced by cysteine, an amino acid with dissimilar properties. This amino acid position is conserved. In addition, this alteration is predicted to be tolerated by in silico analysis. Based on the available evidence, the clinical significance of this variant remains unclear.

NM_001365951.3(KIF1B):c.1768A>T (p.Ser590Cys)

Gene: KIF1B (kinesin family member 1B; plus strand). Cytogenetic location: 1p36.22.
Variant type: single nucleotide variant.
Coding change: c.1768A>T on transcript NM_001365951.3 (MANE Select); coding-DNA position 1768, A replaced by T.
Protein change: p.Ser590Cys; replaces serine 590 with cysteine.
Molecular consequence: missense variant.
Genome position (GRCh38, 1-based): chr1:10,295,757, A>T. VCF-style: chr1-10295757-A-T. GRCh37 (hg19) VCF-style: chr1-10355815-A-T.
Other names: c.1768A>T, p.Ser590Cys (NM_001365952.1); c.1630A>T, p.Ser544Cys (NM_001365953.1, NM_015074.3, NM_183416.4); short protein forms S590C, S544C.
Identifiers: ClinVar variation 4826093 (VCV004826093.1).